The following is an entry in ClinVar:

NM_001378974.1(FBXW11):c.554G>A (p.Trp185Ter)

Gene: FBXW11 (F-box and WD repeat domain containing 11; minus strand). Cytogenetic location: 5q35.1.
Variant type: single nucleotide variant.
Coding change: c.554G>A on transcript NM_001378974.1 (MANE Select); coding-DNA position 554, G replaced by A.
Protein change: p.Trp185Ter; replaces tryptophan 185 with a stop codon.
Molecular consequence: nonsense.
Genome position (GRCh38, 1-based): chr5:171,899,983, C>T on the plus strand (G>A on the coding strand, the complement: FBXW11 is on the minus strand). VCF-style: chr5-171899983-C-T. GRCh37 (hg19) VCF-style: chr5-171326987-C-T.
Other names: c.485G>A, p.Trp162Ter (NM_001378975.1); c.458G>A, p.Trp153Ter (NM_001378976.1); c.395G>A, p.Trp132Ter (NM_001378977.1, NM_001378978.1, NM_001378979.1); c.389G>A, p.Trp130Ter (NM_001378980.1, NM_033645.3); c.491G>A, p.Trp164Ter (NM_012300.3); c.452G>A, p.Trp151Ter (NM_033644.3); short protein forms W164*, W185*, W130*, W132*, W151*, W153*, W162*.
Identifiers: ClinVar variation 2504471 (VCV002504471.1), dbSNP rs200927345, ClinGen allele CA132494092.

ClinVar aggregate classification (germline): Uncertain significance (1 of 4 stars; one submission).

Submission:

GeneDx
Classification: Uncertain significance. Last evaluated: 2022-11-28. Review status: criteria provided, single submitter. Criteria: GeneDx Variant Classification Process June 2021. Collection method: clinical testing. Allele origin: germline. Affected: yes.
Comment: Not observed at significant frequency in large population cohorts (gnomAD); Nonsense variant predicted to result in protein truncation or nonsense mediated decay in a gene or region of a gene for which loss of function is not a well-established mechanism of disease; Has not been previously published as pathogenic or benign to our knowledge